The following is an entry in ClinVar:

NM_006080.3(SEMA3A):c.1368G>C (p.Gly456=)

Gene: SEMA3A (semaphorin 3A; minus strand). Cytogenetic location: 7q21.11.
Variant type: single nucleotide variant.
Coding change: c.1368G>C on transcript NM_006080.3 (MANE Select); coding-DNA position 1368, G replaced by C.
Protein change: p.Gly456=; no amino-acid change (glycine 456 retained).
Molecular consequence: synonymous variant.
Genome position (GRCh38, 1-based): chr7:84,002,039, C>G on the plus strand (G>C on the coding strand, the complement: SEMA3A is on the minus strand). VCF-style: chr7-84002039-C-G. GRCh37 (hg19) VCF-style: chr7-83631355-C-G.
Identifiers: ClinVar variation 4991372 (VCV004991372.1).
Genomic context (GRCh38, chr7:84,002,039, plus strand): 5'-CAGAACCTCTTCTAAATCATACCAAGTCTCCTTAGGAATTGAAACTACTTTAAGAACGGT[C>G]CCAACATCTTTGAAAGAAAGTGGGGAGAAGACCACAAGTTAAGTAGATCTGAACAGAGAT-3'
Protein context (NP_006071.1, residues 446-466): YDVMFIGTDV[Gly456=]TVLKVVSIPK

ClinVar aggregate classification (germline): Likely benign (1 of 4 stars; one submission).

Conditions:
SEMA3A-related disorder. Also called: SEMA3A-related condition.

gnomAD v4.1: 10 of 1,602,036 alleles (0.00062%); highest among the groups gnomAD compares: Non-Finnish European, 0.00085%; no homozygotes.

Submission:

PreventionGenetics, part of Exact Sciences
Classification: Likely benign for SEMA3A-related condition. Last evaluated: 2025-11-18. Review status: criteria provided, single submitter. Criteria: ACMG Guidelines, 2015. Collection method: clinical testing. Allele origin: germline.
Comment: This variant is classified as likely benign based on ACMG/AMP sequence variant interpretation guidelines (Richards et al. 2015 PMID: 25741868, with internal and published modifications).